The following is an entry in ClinVar:

ClinVar aggregate classification (germline): Likely benign (1 of 4 stars; one submission).

Submission:

CeGaT Center for Human Genetics Tuebingen
Classification: Likely benign. Last evaluated: 2024-06-01. Review status: criteria provided, single submitter. Criteria: CeGaT Center For Human Genetics Tuebingen Variant Classification Criteria Version 2. Collection method: clinical testing. Allele origin: germline. Affected: yes. Observed: 1 variant allele.
Comment: NDUFS8: BP4, BP7

NM_002496.4(NDUFS8):c.417G>C (p.Arg139=)

Gene: NDUFS8 (NADH:ubiquinone oxidoreductase core subunit S8; plus strand). Cytogenetic location: 11q13.2.
Variant type: single nucleotide variant.
Coding change: c.417G>C on transcript NM_002496.4 (MANE Select); coding-DNA position 417, G replaced by C.
Protein change: p.Arg139=; no amino-acid change (arginine 139 retained).
Molecular consequence: synonymous variant.
Genome position (GRCh38, 1-based): chr11:68,036,297, G>C. VCF-style: chr11-68036297-G-C. GRCh37 (hg19) VCF-style: chr11-67803764-G-C.
Identifiers: ClinVar variation 3250547 (VCV003250547.18), dbSNP rs776881607.